The following is an entry in ClinVar:

ClinVar aggregate classification (germline): Likely benign. Review status: criteria provided, multiple submitters, no conflicts (2 of 4 stars). 2 submissions from 2 submitters: Likely benign (2). Last evaluated 2025-04-01.

Allele frequency attached by ClinVar (database versions not stated): gnomAD 0.00015; TOPMed 0.00016; ESP Exome Variant Server 0.00038.
gnomAD v4.1: 184 of 1,613,338 alleles (0.011%); highest among the groups gnomAD compares: Non-Finnish European, 0.013%; no homozygotes.

Submissions (2):

CeGaT Center for Human Genetics Tuebingen
Classification: Likely benign. Last evaluated: 2025-04-01. Review status: criteria provided, single submitter. Criteria: CeGaT Center For Human Genetics Tuebingen Variant Classification Criteria Version 2. Collection method: clinical testing. Allele origin: germline. Affected: yes. Observed: 2 variant alleles.
Comment: FLG: BP4, BP7

Blueprint Genetics
Classification: Likely benign. Last evaluated: 2024-05-17. Review status: criteria provided, single submitter. Criteria: ACMG Guidelines, 2015. Collection method: clinical testing. Allele origin: germline.

NM_002016.2(FLG):c.1333C>T (p.Leu445=)

Genes: CCDST (cervical cancer associated DHX9 suppressive transcript; plus strand), FLG (filaggrin; minus strand). Cytogenetic location: 1q21.3.
Variant type: single nucleotide variant.
Coding change: c.1333C>T on transcript NM_002016.2 (MANE Select); coding-DNA position 1333, C replaced by T.
Protein change: p.Leu445=; no amino-acid change (leucine 445 retained).
Molecular consequence: synonymous variant. On other transcripts: non-coding transcript variant (1).
Genome position (GRCh38, 1-based): chr1:152,313,553, G>A on the plus strand (C>T on the coding strand, the complement: FLG is on the minus strand). VCF-style: chr1-152313553-G-A. GRCh37 (hg19) VCF-style: chr1-152286029-G-A.
Identifiers: ClinVar variation 2639321 (VCV002639321.25), dbSNP rs141885805, ClinGen allele CA1107685.
Genomic context (GRCh38, chr1:152,313,553, plus strand): 5'-AACGTCCAGACCGTTCCCCTGACCGGCCACGTGTGGACTCTTGGTGGCTCTGCTGTCTCA[G>A]CCCAGCCTTTCCGTGGCCTGACACTGATTGTGTGTCTGAGTTTTCTGAATGTCCCTCACT-3'
Protein context (NP_002007.1, residues 435-455): QSVSGHGKAG[Leu445=]RQQSHQESTR